The following is an entry in ClinVar:

ClinVar aggregate classification (germline): Uncertain significance (1 of 4 stars; one submission).

Allele frequency attached by ClinVar (database versions not stated): ExAC 0.00001; gnomAD exomes 0.00001 and 0.00002; TOPMed 0.00001.
gnomAD v4.1: 4 of 1,613,484 alleles (0.00025%); highest among the groups gnomAD compares: Admixed American, 0.005%; no homozygotes.

Submission:

Labcorp Genetics (formerly Invitae), Labcorp
Classification: Uncertain significance. Last evaluated: 2023-08-10. Review status: criteria provided, single submitter. Criteria: Invitae Variant Classification Sherloc (09022015). Collection method: clinical testing. Allele origin: germline.
Comment: This sequence change replaces glutamine, which is neutral and polar, with proline, which is neutral and non-polar, at codon 1750 of the TUBGCP6 protein (p.Gln1750Pro). This variant is present in population databases (rs778428813, gnomAD 0.009%). This variant has not been reported in the literature in individuals affected with TUBGCP6-related conditions. ClinVar contains an entry for this variant (Variation ID: 836032). An algorithm developed to predict the effect of missense changes on protein structure and function (PolyPhen-2) suggests that this variant is likely to be disruptive. In summary, the available evidence is currently insufficient to determine the role of this variant in disease. Therefore, it has been classified as a Variant of Uncertain Significance.

NM_020461.4(TUBGCP6):c.5249A>C (p.Gln1750Pro)

Gene: TUBGCP6 (tubulin gamma complex component 6; minus strand). Cytogenetic location: 22q13.33.
Variant type: single nucleotide variant.
Coding change: c.5249A>C on transcript NM_020461.4 (MANE Select); coding-DNA position 5249, A replaced by C.
Protein change: p.Gln1750Pro; replaces glutamine 1750 with proline.
Molecular consequence: missense variant.
Genome position (GRCh38, 1-based): chr22:50,218,037, T>G on the plus strand (A>C on the coding strand, the complement: TUBGCP6 is on the minus strand). VCF-style: chr22-50218037-T-G. GRCh37 (hg19) VCF-style: chr22-50656466-T-G.
Other names: short protein forms Q1750P.
Identifiers: ClinVar variation 836032 (VCV000836032.9), dbSNP rs778428813, ClinGen allele CA10307111.